The following is an entry in ClinVar:

NM_004281.4(BAG3):c.2T>G (p.Met1Arg)

Gene: BAG3 (BAG cochaperone 3; plus strand). Cytogenetic location: 10q26.11.
Variant type: single nucleotide variant.
Coding change: c.2T>G on transcript NM_004281.4 (MANE Select); coding-DNA position 2, T replaced by G.
Protein change: p.Met1Arg; changes the start codon (methionine 1).
Molecular consequence: missense variant, initiator codon variant.
Genome position (GRCh38, 1-based): chr10:119,651,677, T>G. VCF-style: chr10-119651677-T-G. GRCh37 (hg19) VCF-style: chr10-121411189-T-G.
Other names: short protein forms M1R.
Identifiers: ClinVar variation 940210 (VCV000940210.35), dbSNP rs1846841605, ClinGen allele CA378293965.
Genomic context (GRCh38, chr10:119,651,677, plus strand): 5'-CTCGGCGCCCGGAGCCAGCGCCCCGCACCCGCGCCCCAGCGGGCAGACCCCAACCCAGCA[T>G]GAGCGCCGCCACCCACTCGCCCATGATGCAGGTGGCGTCCGGCAACGGTGACCGCGACCC-3'
Protein context (NP_004272.2, residues 1-11): [Met1Arg]SAATHSPMMQ

ClinVar aggregate classification (germline): Uncertain significance. Review status: criteria provided, multiple submitters, no conflicts (2 of 4 stars). 3 submissions from 3 submitters: Uncertain significance (3). Last evaluated 2024-10-16.

Conditions:
Myofibrillar myopathy 6. Identifiers: Orphanet 199340, MedGen C2751831, MONDO:0013061, OMIM 612954.
Dilated cardiomyopathy 1HH (CMD1HH). Identifiers: Orphanet 154, MedGen C3151293, MONDO:0013479, OMIM 613881.

Allele frequency attached by ClinVar (database versions not stated): gnomAD exomes below 0.00001.

Submissions (3):

Blueprint Genetics
Classification: Uncertain significance. Last evaluated: 2024-10-16. Review status: criteria provided, single submitter. Criteria: ACMG Guidelines, 2015. Collection method: clinical testing. Allele origin: germline.

CeGaT Center for Human Genetics Tuebingen
Classification: Uncertain significance. Last evaluated: 2023-09-01. Review status: criteria provided, single submitter. Criteria: CeGaT Center For Human Genetics Tuebingen Variant Classification Criteria Version 2. Collection method: clinical testing. Allele origin: germline. Affected: yes. Observed: 1 variant allele.
Comment: BAG3: PM2

Labcorp Genetics (formerly Invitae), Labcorp
Classification: Uncertain significance for Dilated cardiomyopathy 1HH; Myofibrillar myopathy 6. Last evaluated: 2019-08-11. Review status: criteria provided, single submitter. Criteria: Invitae Variant Classification Sherloc (09022015). Collection method: clinical testing. Allele origin: germline.
Comment: In summary, the available evidence is currently insufficient to determine the role of this variant in disease. Therefore, it has been classified as a Variant of Uncertain Significance. This variant has not been reported in the literature in individuals with BAG3-related conditions. This variant is not present in population databases (ExAC no frequency). This sequence change affects the initiator methionine of the BAG3 mRNA. The next in-frame methionine is located at codon 9.